The following is an entry in ClinVar:

NM_004393.6(DAG1):c.712A>G (p.Met238Val)

Gene: DAG1 (dystroglycan 1; plus strand). Cytogenetic location: 3p21.31.
Variant type: single nucleotide variant.
Coding change: c.712A>G on transcript NM_004393.6 (MANE Select); coding-DNA position 712, A replaced by G.
Protein change: p.Met238Val; replaces methionine 238 with valine.
Molecular consequence: missense variant.
Genome position (GRCh38, 1-based): chr3:49,531,223, A>G. VCF-style: chr3-49531223-A-G. GRCh37 (hg19) VCF-style: chr3-49568656-A-G.
Other names: c.712A>G, p.Met238Val (NM_001165928.4, NM_001177634.3, NM_001177635.3 and 9 more transcripts); c.712A>G (NM_004393.4); short protein forms M238V.
Identifiers: ClinVar variation 568274 (VCV000568274.6), dbSNP rs148238809, ClinGen allele CA74521897.

ClinVar aggregate classification (germline): Uncertain significance. Review status: criteria provided, multiple submitters, no conflicts (2 of 4 stars). 2 submissions from 2 submitters: Uncertain significance (2). Last evaluated 2025-08-29.

Conditions:
Inborn genetic diseases. Identifiers: MedGen C0950123, MeSH D030342.
Muscular dystrophy-dystroglycanopathy (congenital with brain and eye anomalies), type A9. Also called: WALKER-WARBURG SYNDROME OR MUSCLE-EYE BRAIN DISEASE, DAG1-RELATED; Muscular dystrophy-dystroglycanopathy (congenital with brain and eye anomalies), type a, 9. Identifiers: Orphanet 370997, Orphanet 899, MedGen C4225291, MONDO:0014683, OMIM 616538.
Autosomal recessive limb-girdle muscular dystrophy type 2P. Also called: Limb-Girdle Muscular Dystrophy Type 9C; MUSCULAR DYSTROPHY, LIMB-GIRDLE, TYPE 2P; MUSCULAR DYSTROPHY-DYSTROGLYCANOPATHY, LIMB-GIRDLE, DAG1-RELATED. Identifiers: Orphanet 280333, MedGen C4511963, MONDO:0013440, OMIM 613818.

Allele frequency attached by ClinVar (database versions not stated): gnomAD 0.00002 and 0.00001; ESP Exome Variant Server 0.00008; gnomAD exomes below 0.00001; TOPMed below 0.00001.
gnomAD v4.1: 2 of 1,614,040 alleles (0.00012%); highest among the groups gnomAD compares: African/African-American, 0.0027%; no homozygotes.

Submissions (2):

Ambry Genetics
Classification: Uncertain significance for Inborn genetic diseases. Last evaluated: 2025-08-29. Review status: criteria provided, single submitter. Criteria: Ambry Variant Classification Scheme 2023. Collection method: clinical testing. Allele origin: germline.

Labcorp Genetics (formerly Invitae), Labcorp
Classification: Uncertain significance for Autosomal recessive limb-girdle muscular dystrophy type 2P; Muscular dystrophy-dystroglycanopathy (congenital with brain and eye anomalies), type A9. Last evaluated: 2018-05-15. Review status: criteria provided, single submitter. Criteria: Invitae Variant Classification Sherloc (09022015). Collection method: clinical testing. Allele origin: germline.
Comment: Algorithms developed to predict the effect of missense changes on protein structure and function do not agree on the potential impact of this missense change (SIFT: "Tolerated"; PolyPhen-2: "Probably Damaging"; Align-GVGD: "Class C0"). In summary, the available evidence is currently insufficient to determine the role of this variant in disease. Therefore, it has been classified as a Variant of Uncertain Significance. This variant has not been reported in the literature in individuals with DAG1-related disease. This variant is not present in population databases (ExAC no frequency). This sequence change replaces methionine with valine at codon 238 of the DAG1 protein (p.Met238Val). The methionine residue is moderately conserved and there is a small physicochemical difference between methionine and valine.